The following is an entry in ClinVar:

ClinVar aggregate classification (germline): Uncertain significance. Review status: criteria provided, multiple submitters, no conflicts (2 of 4 stars). 3 submissions from 3 submitters: Uncertain significance (3). Last evaluated 2025-11-18.

Conditions:
Dilated cardiomyopathy 1AA (CMD1AA). Also called: Cardiomyopathy, dilated, 1AA, with or without LVNC; CARDIOMYOPATHY, DILATED, 1AA, WITH OR WITHOUT LEFT VENTRICULAR NONCOMPACTION; CARDIOMYOPATHY, FAMILIAL HYPERTROPHIC, 23, WITH OR WITHOUT LEFT VENTRICULAR NONCOMPACTION. Identifiers: Orphanet 154, MedGen C2677338, MONDO:0012808, OMIM 612158.
Primary familial hypertrophic cardiomyopathy (HCM). Identifiers: Orphanet 99739, MedGen C0949658, MeSH D024741, MONDO:0024573. Inheritance: Various modes of inheritance.
Cardiomyopathy (CMYO). Also called: Cardiomyopathies. Identifiers: Orphanet 167848, MedGen C0878544, MONDO:0004994, HP:0001638. Inheritance: Various modes of inheritance.
Cardiovascular phenotype. Identifiers: MedGen CN230736.

Allele frequency attached by ClinVar (database versions not stated): TOPMed below 0.00001.

Submissions (3):

Ambry Genetics
Classification: Uncertain significance for Cardiovascular phenotype. Last evaluated: 2025-11-18. Review status: criteria provided, single submitter. Criteria: Ambry Variant Classification Scheme 2023. Collection method: clinical testing. Allele origin: germline.
Comment: The p.R639K variant (also known as c.1916G>A), located in coding exon 16 of the ACTN2 gene, results from a G to A substitution at nucleotide position 1916. The arginine at codon 639 is replaced by lysine, an amino acid with highly similar properties. This amino acid position is conserved. In addition, the in silico prediction for this alteration is inconclusive. Based on the available evidence, the clinical significance of this variant remains unclear.

Labcorp Genetics (formerly Invitae), Labcorp
Classification: Uncertain significance for Primary familial hypertrophic cardiomyopathy; Dilated cardiomyopathy 1AA. Last evaluated: 2022-10-13. Review status: criteria provided, single submitter. Criteria: Invitae Variant Classification Sherloc (09022015). Collection method: clinical testing. Allele origin: germline.
Comment: In summary, the available evidence is currently insufficient to determine the role of this variant in disease. Therefore, it has been classified as a Variant of Uncertain Significance. Advanced modeling of protein sequence and biophysical properties (such as structural, functional, and spatial information, amino acid conservation, physicochemical variation, residue mobility, and thermodynamic stability) performed at Invitae indicates that this missense variant is expected to disrupt ACTN2 protein function. ClinVar contains an entry for this variant (Variation ID: 936386). This variant has not been reported in the literature in individuals affected with ACTN2-related conditions. This variant is not present in population databases (gnomAD no frequency). This sequence change replaces arginine, which is basic and polar, with lysine, which is basic and polar, at codon 639 of the ACTN2 protein (p.Arg639Lys).

CHEO Genetics Diagnostic Laboratory, Children's Hospital of Eastern Ontario
Classification: Uncertain significance for Cardiomyopathy. Last evaluated: 2019-10-28. Review status: criteria provided, single submitter. Criteria: ACMG Guidelines, 2015. Collection method: clinical testing. Allele origin: germline.

NM_001103.4(ACTN2):c.1916G>A (p.Arg639Lys)

Gene: ACTN2 (actinin alpha 2; plus strand). Cytogenetic location: 1q43.
Variant type: single nucleotide variant.
Coding change: c.1916G>A on transcript NM_001103.4 (MANE Select); coding-DNA position 1916, G replaced by A.
Protein change: p.Arg639Lys; replaces arginine 639 with lysine.
Molecular consequence: missense variant.
Genome position (GRCh38, 1-based): chr1:236,754,023, G>A. VCF-style: chr1-236754023-G-A. GRCh37 (hg19) VCF-style: chr1-236917323-G-A.
Other names: c.1292G>A, p.Arg431Lys (NM_001278344.2); c.1916G>A, p.Arg639Lys (NM_001278343.2); short protein forms R431K, R639K.
Identifiers: ClinVar variation 936386 (VCV000936386.13), dbSNP rs1659477796, ClinGen allele CA345386882.
Genomic context (GRCh38, chr1:236,754,023, plus strand): 5'-CCATCCGCGATCAATCCCTGCAGGAGGAGCTGGCTCGCCAGCATGCTAACGAGCGTCTGA[G>A]GCGCCAGTTTGCTGCCCAAGCCAATGCCATTGGGCCCTGGATCCAGAACAAGATGGAGGT-3'
Protein context (NP_001094.1, residues 629-649): LARQHANERL[Arg639Lys]RQFAAQANAI